The following is an entry in ClinVar:

ClinVar aggregate classification (germline): Uncertain significance. Review status: criteria provided, single submitter (1 of 4 stars). 3 submissions from 3 submitters: Uncertain significance (1). 2 of the submissions do not count toward it. Last evaluated 2023-06-20.

Allele frequency attached by ClinVar (database versions not stated): gnomAD exomes 0.00001.
gnomAD v4.1: 3 of 1,613,630 alleles (0.00019%); highest among the groups gnomAD compares: Non-Finnish European, 0.00025%; no homozygotes.

Submissions (3):

GeneDx
Classification: Uncertain significance. Last evaluated: 2023-06-20. Review status: criteria provided, single submitter. Criteria: GeneDx Variant Classification Process June 2021. Collection method: clinical testing. Allele origin: germline. Affected: yes.
Comment: Has not been previously published as pathogenic or benign to our knowledge; Not observed at significant frequency in large population cohorts (gnomAD); Nonsense variant predicted to result in protein truncation or nonsense mediated decay in a gene or region of a gene for which loss of function is not a well-established mechanism of disease

Clinical Genetics, Academic Medical Center
Classification: Uncertain significance. Review status: no assertion criteria provided. Collection method: clinical testing. Allele origin: germline. Affected: yes. Study: VKGL Data-share Consensus. Not counted in ClinVar's aggregate classification.

Diagnostic Laboratory, Department of Genetics, University Medical Center Groningen
Classification: Uncertain significance. Review status: no assertion criteria provided. Collection method: clinical testing. Allele origin: germline. Affected: yes. Study: VKGL Data-share Consensus. Not counted in ClinVar's aggregate classification.

NM_017636.4(TRPM4):c.2999G>A (p.Trp1000Ter)

Gene: TRPM4 (transient receptor potential cation channel subfamily M member 4; plus strand). Cytogenetic location: 19q13.33.
Variant type: single nucleotide variant.
Coding change: c.2999G>A on transcript NM_017636.4 (MANE Select); coding-DNA position 2999, G replaced by A.
Protein change: p.Trp1000Ter; replaces tryptophan 1000 with a stop codon.
Molecular consequence: nonsense.
Genome position (GRCh38, 1-based): chr19:49,202,009, G>A. VCF-style: chr19-49202009-G-A. GRCh37 (hg19) VCF-style: chr19-49705266-G-A.
Other names: c.2564G>A, p.Trp855Ter (NM_001195227.2); c.2654G>A, p.Trp885Ter (NM_001321281.2); c.1391G>A, p.Trp464Ter (NM_001321282.2); c.2477G>A, p.Trp826Ter (NM_001321283.2); c.1937G>A, p.Trp646Ter (NM_001321285.2); c.2999G>A (NM_017636.3); short protein forms W1000*, W464*, W646*, W826*, W855*, W885*.
Identifiers: ClinVar variation 1284851 (VCV001284851.4), dbSNP rs1968952845, ClinGen allele CA406812671.